The following is an entry in ClinVar:

NM_002156.5(HSPD1):c.1094C>A (p.Ala365Asp)

Gene: HSPD1 (heat shock protein family D (Hsp60) member 1; minus strand). Cytogenetic location: 2q33.1.
Variant type: single nucleotide variant.
Coding change: c.1094C>A on transcript NM_002156.5 (MANE Select); coding-DNA position 1094, C replaced by A.
Protein change: p.Ala365Asp; replaces alanine 365 with aspartic acid.
Molecular consequence: missense variant.
Genome position (GRCh38, 1-based): chr2:197,489,123, G>T on the plus strand (C>A on the coding strand, the complement: HSPD1 is on the minus strand). VCF-style: chr2-197489123-G-T. GRCh37 (hg19) VCF-style: chr2-198353847-G-T.
Other names: p.Ala365Asp; c.1094C>A, p.Ala365Asp (NM_199440.2); short protein forms A365D.
Identifiers: ClinVar variation 3379407 (VCV003379407.1).

ClinVar aggregate classification (germline): Uncertain significance (1 of 4 stars; one submission).

gnomAD v4.1: 17 of 1,613,850 alleles (0.0011%); highest among the groups gnomAD compares: Non-Finnish European, 0.0014%; no homozygotes.

Submission:

Mayo Clinic Laboratories, Mayo Clinic
Classification: Uncertain significance. Last evaluated: 2024-01-05. Review status: criteria provided, single submitter. Criteria: ACMG Guidelines, 2015. Collection method: clinical testing. Allele origin: germline. Observed: 1 variant allele.
Comment: BP4